The following is an entry in ClinVar:

NM_005120.3(MED12):c.204+5G>C

Gene: MED12 (mediator complex subunit 12; plus strand). Cytogenetic location: Xq13.1.
Variant type: single nucleotide variant.
Coding change: c.204+5G>C on transcript NM_005120.3 (MANE Select); 5 bases into the intron after coding-DNA position 204, G replaced by C.
Molecular consequence: intron variant.
Genome position (GRCh38, 1-based): chrX:71,119,482, G>C. VCF-style: chrX-71119482-G-C. GRCh37 (hg19) VCF-style: chrX-70339332-G-C.
Identifiers: ClinVar variation 1307676 (VCV001307676.2), dbSNP rs2147771855, ClinGen allele CA2573055387.

ClinVar aggregate classification (germline): Uncertain significance (1 of 4 stars; one submission).

Submission:

GeneDx
Classification: Uncertain significance. Last evaluated: 2019-08-15. Review status: criteria provided, single submitter. Criteria: GeneDx Variant Classification Process June 2021. Collection method: clinical testing. Allele origin: germline. Affected: yes.
Comment: Not observed in large population cohorts (Lek et al., 2016); Has not been previously published as pathogenic or benign to our knowledge; In-silico analysis, which includes splice predictors and evolutionary conservation, is inconclusive as to whether the variant alters gene splicing. In the absence of RNA/functional studies, the actual effect of this sequence change is unknown.